The following is an entry in ClinVar:

ClinVar aggregate classification (germline): Likely pathogenic (1 of 4 stars; one submission).

Submission:

Labcorp Genetics (formerly Invitae), Labcorp
Classification: Likely pathogenic. Last evaluated: 2025-11-24. Review status: criteria provided, single submitter. Criteria: Invitae Variant Classification Sherloc (09022015). Collection method: clinical testing. Allele origin: germline.
Comment: This sequence change affects a donor splice site in intron 8 of the ACO2 gene. It is expected to disrupt RNA splicing. Variants that disrupt the donor or acceptor splice site typically lead to a loss of protein function (PMID: 16199547), and loss-of-function variants in ACO2 are known to be pathogenic (PMID: 30689204, 32519519). This variant is not present in population databases (gnomAD no frequency). Disruption of this splice site has been observed in individual(s) with autosomal dominant optic atrophy (PMID: 34056600). ClinVar contains an entry for this variant (Variation ID: 1492681). Algorithms developed to predict the effect of sequence changes on RNA splicing suggest that this variant may disrupt the consensus splice site. In summary, the currently available evidence indicates that the variant is pathogenic, but additional data are needed to prove that conclusively. Therefore, this variant has been classified as Likely Pathogenic.

Literature cited by the submitters: PubMed 16199547; PubMed 30689204; PubMed 32519519; PubMed 34056600.

NM_001098.3(ACO2):c.1032+1G>T

Gene: ACO2 (aconitase 2; plus strand). Cytogenetic location: 22q13.2.
Variant type: single nucleotide variant.
Coding change: c.1032+1G>T on transcript NM_001098.3 (MANE Select); the canonical splice donor site of the intron after coding-DNA position 1032, G replaced by T.
Molecular consequence: splice donor variant.
Genome position (GRCh38, 1-based): chr22:41,518,573, G>T. VCF-style: chr22-41518573-G-T. GRCh37 (hg19) VCF-style: chr22-41914577-G-T.
Identifiers: ClinVar variation 1492681 (VCV001492681.6), dbSNP rs2146128620, ClinGen allele CA411723288.